The following is an entry in ClinVar:

ClinVar aggregate classification (germline): Uncertain significance (1 of 4 stars; one submission).

Conditions:
Catecholaminergic polymorphic ventricular tachycardia 1. Also called: RYR2-Related Catecholaminergic Polymorphic Ventricular Tachycardia; VENTRICULAR TACHYCARDIA, STRESS-INDUCED POLYMORPHIC 1; VENTRICULAR TACHYCARDIA, CATECHOLAMINERGIC POLYMORPHIC, 1, WITH OR WITHOUT ATRIAL DYSFUNCTION AND/OR DILATED CARDIOMYOPATHY. Identifiers: Orphanet 3286, MedGen C1631597, MONDO:0011484, OMIM 604772.

Submission:

Labcorp Genetics (formerly Invitae), Labcorp
Classification: Uncertain significance for Catecholaminergic polymorphic ventricular tachycardia 1. Last evaluated: 2025-09-17. Review status: criteria provided, single submitter. Criteria: Invitae Variant Classification Sherloc (09022015). Collection method: clinical testing. Allele origin: germline.
Comment: This sequence change affects codon 2947 of the RYR2 mRNA. It is a 'silent' change, meaning that it does not change the encoded amino acid sequence of the RYR2 protein. This variant is not present in population databases (gnomAD no frequency). This variant has not been reported in the literature in individuals affected with RYR2-related conditions. Algorithms developed to predict the effect of sequence changes on RNA splicing suggest that this variant may disrupt the consensus splice site. In summary, the available evidence is currently insufficient to determine the role of this variant in disease. Therefore, it has been classified as a Variant of Uncertain Significance.

NM_001035.3(RYR2):c.8841C>T (p.Ser2947=)

Gene: RYR2 (ryanodine receptor 2; plus strand). Cytogenetic location: 1q43.
Variant type: single nucleotide variant.
Coding change: c.8841C>T on transcript NM_001035.3 (MANE Select); coding-DNA position 8841, C replaced by T.
Protein change: p.Ser2947=; no amino-acid change (serine 2947 retained).
Molecular consequence: synonymous variant.
Genome position (GRCh38, 1-based): chr1:237,678,058, C>T. VCF-style: chr1-237678058-C-T. GRCh37 (hg19) VCF-style: chr1-237841358-C-T.
Identifiers: ClinVar variation 4727301 (VCV004727301.1).
Genomic context (GRCh38, chr1:237,678,058, plus strand): 5'-TTGCAATGTTTCCAGTGCAGCATTTACCTAAAAACTCTTCAAATCTACAGATGGTGGCAG[C>T]AGAGGCAAAGGAGAACATTTCCCTTATGAACAAGAAATCAAGTTCTTTGCAAAAGTACAG-3'
Protein context (NP_001026.2, residues 2937-2957): HQYILEFDGG[Ser2947=]RGKGEHFPYE